The following is an entry in ClinVar:

NM_003628.6(PKP4):c.1454T>C (p.Ile485Thr)

Gene: PKP4 (plakophilin 4; plus strand). Cytogenetic location: 2q24.1.
Variant type: single nucleotide variant.
Coding change: c.1454T>C on transcript NM_003628.6 (MANE Select); coding-DNA position 1454, T replaced by C.
Protein change: p.Ile485Thr; replaces isoleucine 485 with threonine.
Molecular consequence: missense variant.
Genome position (GRCh38, 1-based): chr2:158,634,181, T>C. VCF-style: chr2-158634181-T-C. GRCh37 (hg19) VCF-style: chr2-159490693-T-C.
Other names: c.1454T>C, p.Ile485Thr (NM_001005476.4, NM_001304971.2, NM_001377218.1 and 1 more transcripts); c.1451T>C, p.Ile484Thr (NM_001304969.3, NM_001377219.1, NM_001377220.1 and 2 more transcripts); c.425T>C, p.Ile142Thr (NM_001304970.3); c.1448T>C, p.Ile483Thr (NM_001377222.1, NM_001377223.1); c.1445T>C, p.Ile482Thr (NM_001377224.1); short protein forms I482T, I484T, I142T, I483T, I485T.
Identifiers: ClinVar variation 3933357 (VCV003933357.1).

ClinVar aggregate classification (germline): Uncertain significance (1 of 4 stars; one submission).

gnomAD v4.1: 4 of 1,614,032 alleles (0.00025%); highest among the groups gnomAD compares: Middle Eastern, 0.016%; no homozygotes.

Submission:

Ambry Genetics
Classification: Uncertain significance. Last evaluated: 2025-03-23. Review status: criteria provided, single submitter. Criteria: Ambry Variant Classification Scheme 2023. Collection method: clinical testing. Allele origin: germline.
Comment: The p.I485T variant (also known as c.1454T>C), located in coding exon 8 of the PKP4 gene, results from a T to C substitution at nucleotide position 1454. The isoleucine at codon 485 is replaced by threonine, an amino acid with similar properties. This amino acid position is conserved. In addition, this alteration is predicted to be tolerated by in silico analysis. Based on the available evidence, the clinical significance of this variant remains unclear.